The following is an entry in ClinVar:

ClinVar aggregate classification (germline): Likely benign. Review status: criteria provided, multiple submitters, no conflicts (2 of 4 stars). 2 submissions from 2 submitters: Likely benign (2). Last evaluated 2026-05-01.

gnomAD v4.1: 411 of 1,614,226 alleles (0.025%); highest among the groups gnomAD compares: South Asian, 0.41%; 3 homozygotes.

Submissions (2):

CeGaT Center for Human Genetics Tuebingen
Classification: Likely benign. Last evaluated: 2026-05-01. Review status: criteria provided, single submitter. Criteria: CeGaT Center For Human Genetics Tuebingen Variant Classification Criteria Version 2. Collection method: clinical testing. Allele origin: germline. Affected: yes. Observed: 1 variant allele.
Comment: YY1: BP4, BP7, BS1

Blueprint Genetics
Classification: Likely benign. Last evaluated: 2024-10-02. Review status: criteria provided, single submitter. Criteria: ACMG Guidelines, 2015. Collection method: clinical testing. Allele origin: germline.

NM_003403.5(YY1):c.966C>T (p.Pro322=)

Gene: YY1 (YY1 transcription factor; plus strand). Cytogenetic location: 14q32.2.
Variant type: single nucleotide variant.
Coding change: c.966C>T on transcript NM_003403.5 (MANE Select); coding-DNA position 966, C replaced by T.
Protein change: p.Pro322=; no amino-acid change (proline 322 retained).
Molecular consequence: synonymous variant.
Genome position (GRCh38, 1-based): chr14:100,276,552, C>T. VCF-style: chr14-100276552-C-T. GRCh37 (hg19) VCF-style: chr14-100742889-C-T.
Identifiers: ClinVar variation 4872722 (VCV004872722.3).
Genomic context (GRCh38, chr14:100,276,552, plus strand): 5'-CTGCACAAAGATGTTCAGGGATAACTCGGCCATGAGAAAACATCTGCACACCCACGGTCC[C>T]AGAGTCCACGTCTGTGCAGAATGTGGCAAAGCTTTTGTTGAGAGTTCAAAACTAAAACGA-3'
Protein context (NP_003394.1, residues 312-332): AMRKHLHTHG[Pro322=]RVHVCAECGK